The following is an entry in ClinVar:

NM_000548.5(TSC2):c.4571C>G (p.Ser1524Ter)

Gene: TSC2 (TSC complex subunit 2; plus strand). Cytogenetic location: 16p13.3.
Variant type: single nucleotide variant.
Coding change: c.4571C>G on transcript NM_000548.5 (MANE Select); coding-DNA position 4571, C replaced by G.
Protein change: p.Ser1524Ter; replaces serine 1524 with a stop codon.
Molecular consequence: nonsense.
Genome position (GRCh38, 1-based): chr16:2,085,231, C>G. VCF-style: chr16-2085231-C-G. GRCh37 (hg19) VCF-style: chr16-2135232-C-G.
Other names: c.4370C>G, p.Ser1457Ter (NM_001077183.3); c.4502C>G, p.Ser1501Ter (NM_001114382.3); c.4262C>G, p.Ser1421Ter (NM_001318827.2); c.4226C>G, p.Ser1409Ter (NM_001318829.2); c.3839C>G, p.Ser1280Ter (NM_001318831.2); c.4403C>G, p.Ser1468Ter (NM_001318832.2); c.4373C>G, p.Ser1458Ter (NM_001363528.2); c.4439C>G, p.Ser1480Ter (NM_001370404.1); and 1 more; short protein forms S1524*, S1409*, S1480*, S1481*, S1280*, S1421*, S1457*, S1468*.
Identifiers: ClinVar variation 468103 (VCV000468103.6), dbSNP rs1441428144, ClinGen allele CA394304306.

ClinVar aggregate classification (germline): Pathogenic (1 of 4 stars; one submission).

Conditions:
Tuberous sclerosis 2 (TSC2). Identifiers: Orphanet 805, MedGen C1860707, MONDO:0013199, OMIM 613254.

Submission:

Labcorp Genetics (formerly Invitae), Labcorp
Classification: Pathogenic for Tuberous sclerosis 2. Last evaluated: 2017-02-28. Review status: criteria provided, single submitter. Criteria: Invitae Variant Classification Sherloc (09022015). Collection method: clinical testing. Allele origin: germline.
Comment: For these reasons, this variant has been classified as Pathogenic. While this particular variant has not been reported in the literature, loss-of-function variants in TSC2 are known to be pathogenic (PMID: 10205261, 17304050). This sequence change creates a premature translational stop signal at codon 1524 (p.Ser1524*) of the TSC2 gene. It is expected to result in an absent or disrupted protein product.

Literature cited by the submitters: PubMed 10205261; PubMed 17304050.